The following is an entry in ClinVar:

NM_000398.7(CYB5R3):c.403C>G (p.Gln135Glu)

Gene: CYB5R3 (cytochrome b5 reductase 3; minus strand). Cytogenetic location: 22q13.2.
Variant type: single nucleotide variant.
Coding change: c.403C>G on transcript NM_000398.7 (MANE Select); coding-DNA position 403, C replaced by G.
Protein change: p.Gln135Glu; replaces glutamine 135 with glutamic acid.
Molecular consequence: missense variant.
Genome position (GRCh38, 1-based): chr22:42,628,212, G>C on the plus strand (C>G on the coding strand, the complement: CYB5R3 is on the minus strand). VCF-style: chr22-42628212-G-C. GRCh37 (hg19) VCF-style: chr22-43024218-G-C.
Other names: c.334C>G, p.Gln112Glu (NM_001129819.2, NM_001171661.1, NM_007326.4); c.502C>G, p.Gln168Glu (NM_001171660.2); short protein forms Q112E, Q135E, Q168E.
Identifiers: ClinVar variation 3369948 (VCV003369948.1).

ClinVar aggregate classification (germline): Uncertain significance (1 of 4 stars; one submission).

gnomAD v4.1: 17 of 1,614,122 alleles (0.0011%); highest among the groups gnomAD compares: East Asian, 0.036%; no homozygotes.

Submission:

GeneDx
Classification: Uncertain significance. Last evaluated: 2023-12-16. Review status: criteria provided, single submitter. Criteria: GeneDx Variant Classification Process June 2021. Collection method: clinical testing. Allele origin: germline. Affected: yes.
Comment: Has not been previously published as pathogenic or benign to our knowledge; Not observed at significant frequency in large population cohorts (gnomAD); In silico analysis supports that this missense variant does not alter protein structure/function